The following is an entry in ClinVar:

NM_006950.3(SYN1):c.14G>A (p.Arg5Gln)

Gene: SYN1 (synapsin I; minus strand). Cytogenetic location: Xp11.23.
Variant type: single nucleotide variant.
Coding change: c.14G>A on transcript NM_006950.3 (MANE Select); coding-DNA position 14, G replaced by A.
Protein change: p.Arg5Gln; replaces arginine 5 with glutamine.
Molecular consequence: missense variant.
Genome position (GRCh38, 1-based): chrX:47,619,715, C>T on the plus strand (G>A on the coding strand, the complement: SYN1 is on the minus strand). VCF-style: chrX-47619715-C-T. GRCh37 (hg19) VCF-style: chrX-47479114-C-T.
Other names: c.14G>A, p.Arg5Gln (NM_133499.2); short protein forms R5Q.
Identifiers: ClinVar variation 3722207 (VCV003722207.4).

ClinVar aggregate classification (germline): Uncertain significance. Review status: criteria provided, multiple submitters, no conflicts (2 of 4 stars). 2 submissions from 2 submitters: Uncertain significance (2). Last evaluated 2026-10-06.

Conditions:
Epilepsy, X-linked 1, with variable learning disabilities and behavior disorders. Also called: X-linked epilepsy-learning disabilities-behavior disorders syndrome. Identifiers: Orphanet 85294, MedGen C5774177, MONDO:0010339, OMIM 300491.

Submissions (2):

GeneDx
Classification: Uncertain significance. Last evaluated: 2026-10-06. Review status: criteria provided, single submitter. Criteria: GeneDx Variant Classification Process June 2021. Collection method: clinical testing. Allele origin: germline.
Comment: Not observed at significant frequency in large population cohorts (gnomAD); In silico analysis supports that this missense variant has a deleterious effect on protein structure/function; Has not been previously published as pathogenic or benign to our knowledge

Labcorp Genetics (formerly Invitae), Labcorp
Classification: Uncertain significance for Epilepsy, X-linked 1, with variable learning disabilities and behavior disorders. Last evaluated: 2024-10-04. Review status: criteria provided, single submitter. Criteria: Invitae Variant Classification Sherloc (09022015). Collection method: clinical testing. Allele origin: germline.
Comment: This sequence change replaces arginine, which is basic and polar, with glutamine, which is neutral and polar, at codon 5 of the SYN1 protein (p.Arg5Gln). This variant is not present in population databases (gnomAD no frequency). This variant has not been reported in the literature in individuals affected with SYN1-related conditions. An algorithm developed to predict the effect of missense changes on protein structure and function (PolyPhen-2) suggests that this variant is likely to be disruptive. In summary, the available evidence is currently insufficient to determine the role of this variant in disease. Therefore, it has been classified as a Variant of Uncertain Significance.